The following is an entry in ClinVar:

ClinVar aggregate classification (germline): Pathogenic (1 of 4 stars; one submission).

Conditions:
Hereditary pheochromocytoma and paraganglioma. Also called: Hereditary paragangliomas and pheochromocytomas; Hereditary pheochromocytoma-paraganglioma; Hereditary Paraganglioma-Pheochromocytoma Syndromes. Identifiers: Orphanet 29072, MedGen C4274332, MONDO:0017366.

Submission:

Labcorp Genetics (formerly Invitae), Labcorp
Classification: Pathogenic for Hereditary pheochromocytoma and paraganglioma. Last evaluated: 2018-10-31. Review status: criteria provided, single submitter. Criteria: Invitae Variant Classification Sherloc (09022015). Collection method: clinical testing. Allele origin: germline.
Comment: This sequence change creates a premature translational stop signal (p.Asp41Thrfs*24) in the MAX gene. It is expected to result in an absent or disrupted protein product. This variant is not present in population databases (ExAC no frequency). This variant has not been reported in the literature in individuals with MAX-related disease. Loss-of-function variants in MAX are known to be pathogenic (PMID: 21685915, 26070438). For these reasons, this variant has been classified as Pathogenic.

Literature cited by the submitters: PubMed 21685915; PubMed 26070438.

NM_002382.5(MAX):c.120del (p.Asp41fs)

Genes: MAX-AS1 (MAX antisense RNA 1; plus strand), MAX (MYC associated transcriptional regulator X; minus strand). Cytogenetic location: 14q23.3.
Variant type: Deletion.
Coding change: c.120del on transcript NM_002382.5 (MANE Select); coding-DNA position 120, one base deleted (A; older notation c.120delA).
Protein change: p.Asp41fs; shifts the reading frame from aspartic acid 41.
Molecular consequence: frameshift variant. On other transcripts: non-coding transcript variant (1), 5 prime UTR variant (1).
Genome position (GRCh38, 1-based): chr14:65,093,759, T deleted on the plus strand (A on the coding strand, the reverse complement: MAX is on the minus strand); the first of 3 consecutive T bases (chr14:65,093,759-65,093,761); deleting any one gives the same sequence. VCF-style (leftmost placement, unchanged base first): chr14-65093758-CT-C. GRCh37 (hg19) VCF-style: chr14-65560476-CT-C.
Other names: c.93del, p.Asp32fs (NM_001271068.2, NM_001271069.2, NM_145112.3); c.-155del (NM_001320415.2); c.118delA, p.Asp41Thrfs (NM_001407094.1, NM_001407096.1, NM_001407097.1 and 2 more transcripts); c.91delA, p.Asp32Thrfs (NM_001407095.1, NM_001407099.1, NM_001407100.1 and 6 more transcripts); c.-157delA (NM_001407105.1, NM_001407106.1, NM_001407107.1); c.-250delA (NM_001407111.1, NM_001407112.1); c.141delA, p.Lys48Argfs (NM_001407114.1); c.120del, p.Asp41fs (NM_145113.3, NM_145114.3, NM_197957.4); short protein forms D41fs, D32fs.
Identifiers: ClinVar variation 652863 (VCV000652863.7), dbSNP rs1595166895, ClinGen allele CA915948952.